The following is an entry in ClinVar:

NM_178161.3(PTF1A):c.499G>A (p.Ala167Thr)

Gene: PTF1A (pancreas associated transcription factor 1a; plus strand). Cytogenetic location: 10p12.2.
Variant type: single nucleotide variant.
Coding change: c.499G>A on transcript NM_178161.3 (MANE Select); coding-DNA position 499, G replaced by A.
Protein change: p.Ala167Thr; replaces alanine 167 with threonine.
Molecular consequence: missense variant.
Genome position (GRCh38, 1-based): chr10:23,193,029, G>A. VCF-style: chr10-23193029-G-A. GRCh37 (hg19) VCF-style: chr10-23481958-G-A.
Other names: short protein forms A167T.
Identifiers: ClinVar variation 436444 (VCV000436444.16), dbSNP rs565666569, ClinGen allele CA5438601.
Genomic context (GRCh38, chr10:23,193,029, plus strand): 5'-GCGGCGGCGCGGCGCCGGCGGCGGGTGCGCTCCGAGGCGGAGCTGCAGCAGCTGCGGCAG[G>A]CGGCCAACGTGCGCGAGCGGCGGCGCATGCAGTCCATCAACGACGCCTTCGAGGGGCTGC-3'
Protein context (NP_835455.1, residues 157-177): SEAELQQLRQ[Ala167Thr]ANVRERRRMQ

ClinVar aggregate classification (germline): Conflicting classifications of pathogenicity. Review status: criteria provided, conflicting classifications (1 of 4 stars). 3 submissions from 3 submitters: Uncertain significance (1); Likely benign (2). Last evaluated 2025-03-06.

Conditions:
Permanent neonatal diabetes mellitus-pancreatic and cerebellar agenesis syndrome. Also called: PANCREATIC AND CEREBELLAR AGENESIS. Identifiers: Orphanet 65288, MedGen C1836780, MONDO:0012192, OMIM 609069.

Allele frequency attached by ClinVar (database versions not stated): gnomAD 0.00001 and 0.00019; TOPMed 0.00008; gnomAD exomes 0.00027 and 0.00114; 1000 Genomes Project 30x 0.00062; 1000 Genomes Project 0.00080; ExAC 0.00399.

Submissions (3):

Labcorp Genetics (formerly Invitae), Labcorp
Classification: Likely benign. Last evaluated: 2025-03-06. Review status: criteria provided, single submitter. Criteria: Invitae Variant Classification Sherloc (09022015). Collection method: clinical testing. Allele origin: germline.

Genetic Services Laboratory, University of Chicago
Classification: Uncertain significance. Last evaluated: 2017-05-17. Review status: criteria provided, single submitter. Criteria: ACMG Guidelines, 2015. Collection method: clinical testing. Allele origin: germline. Affected: no.

Illumina Laboratory Services, Illumina
Classification: Likely benign for Permanent neonatal diabetes mellitus-pancreatic and cerebellar agenesis syndrome. Last evaluated: 2017-04-27. Review status: criteria provided, single submitter. Criteria: ICSL Variant Classification Criteria 13 December 2019. Collection method: clinical testing. Allele origin: germline.
Comment: This variant was observed as part of a predisposition screen in an ostensibly healthy population. A literature search was performed for the gene, cDNA change, and amino acid change (where applicable). Publications were found based on this search. The evidence from the literature, in combination with allele frequency data from public databases where available, was sufficient to determine this variant is unlikely to cause disease. Therefore, this variant is classified as likely benign.

Literature cited by the submitters: PubMed 20065546 (cited by Illumina Laboratory Services, Illumina).